The following is an entry in ClinVar:

NM_182493.3(MYLK3):c.1574G>T (p.Arg525Leu)

Gene: MYLK3 (myosin light chain kinase 3; minus strand). Cytogenetic location: 16q11.2.
Variant type: single nucleotide variant.
Coding change: c.1574G>T on transcript NM_182493.3 (MANE Select); coding-DNA position 1574, G replaced by T.
Protein change: p.Arg525Leu; replaces arginine 525 with leucine.
Molecular consequence: missense variant.
Genome position (GRCh38, 1-based): chr16:46,729,682, C>A on the plus strand (G>T on the coding strand, the complement: MYLK3 is on the minus strand). VCF-style: chr16-46729682-C-A. GRCh37 (hg19) VCF-style: chr16-46763594-C-A.
Other names: c.551G>T, p.Arg184Leu (NM_001308301.1); short protein forms R184L, R525L.
Identifiers: ClinVar variation 1524301 (VCV001524301.6), dbSNP rs775706296, ClinGen allele CA395791450.

ClinVar aggregate classification (germline): Uncertain significance (1 of 4 stars; one submission).

gnomAD v4.1: 1 of 1,613,580 alleles (0.000062%); highest among the groups gnomAD compares: African/African-American, 0.0013%; no homozygotes.

Submission:

Labcorp Genetics (formerly Invitae), Labcorp
Classification: Uncertain significance. Last evaluated: 2022-03-22. Review status: criteria provided, single submitter. Criteria: Invitae Variant Classification Sherloc (09022015). Collection method: clinical testing. Allele origin: germline.
Comment: Algorithms developed to predict the effect of missense changes on protein structure and function are either unavailable or do not agree on the potential impact of this missense change (SIFT: "Tolerated"; PolyPhen-2: "Probably Damaging"; Align-GVGD: "Class C0"). In summary, the available evidence is currently insufficient to determine the role of this variant in disease. Therefore, it has been classified as a Variant of Uncertain Significance. This variant has not been reported in the literature in individuals affected with MYLK3-related conditions. This sequence change replaces arginine, which is basic and polar, with leucine, which is neutral and non-polar, at codon 525 of the MYLK3 protein (p.Arg525Leu). This variant is present in population databases (no rsID available, gnomAD 0.007%).